The following is an entry in ClinVar:

ClinVar aggregate classification (germline): Uncertain significance (1 of 4 stars; one submission).

Conditions:
Trichorhinophalangeal dysplasia type I (TRPS1). Also called: TRICHORHINOPHALANGEAL SYNDROME, TYPE I; TRPS I. Identifiers: Orphanet 77258, MedGen C0432233, MONDO:0008596, OMIM 190350.
Trichorhinophalangeal syndrome, type III (TRPS3). Also called: SUGIO-KAJII SYNDROME. Identifiers: Orphanet 77258, MedGen C1860823, OMIM 190351, MONDO:0008597.

Allele frequency attached by ClinVar (database versions not stated): ExAC 0.00001; TOPMed 0.00001; gnomAD 0.00002; gnomAD exomes 0.00002.
gnomAD v4.1: 33 of 1,613,810 alleles (0.002%); highest among the groups gnomAD compares: Non-Finnish European, 0.0027%; no homozygotes.

Submission:

Labcorp Genetics (formerly Invitae), Labcorp
Classification: Uncertain significance for Trichorhinophalangeal syndrome, type III; Trichorhinophalangeal dysplasia type I. Last evaluated: 2024-01-11. Review status: criteria provided, single submitter. Criteria: Invitae Variant Classification Sherloc (09022015). Collection method: clinical testing. Allele origin: germline.
Comment: This sequence change replaces alanine, which is neutral and non-polar, with serine, which is neutral and polar, at codon 1168 of the TRPS1 protein (p.Ala1168Ser). This variant is present in population databases (rs749423453, gnomAD 0.003%). This variant has not been reported in the literature in individuals affected with TRPS1-related conditions. Advanced modeling of protein sequence and biophysical properties (such as structural, functional, and spatial information, amino acid conservation, physicochemical variation, residue mobility, and thermodynamic stability) performed at Invitae indicates that this missense variant is not expected to disrupt TRPS1 protein function with a negative predictive value of 80%. In summary, the available evidence is currently insufficient to determine the role of this variant in disease. Therefore, it has been classified as a Variant of Uncertain Significance.

NM_014112.5(TRPS1):c.3502G>T (p.Ala1168Ser)

Gene: TRPS1 (transcriptional repressor GATA binding 1; minus strand). Cytogenetic location: 8q23.3.
Variant type: single nucleotide variant.
Coding change: c.3502G>T on transcript NM_014112.5 (MANE Select); coding-DNA position 3502, G replaced by T.
Protein change: p.Ala1168Ser; replaces alanine 1168 with serine.
Molecular consequence: missense variant.
Genome position (GRCh38, 1-based): chr8:115,414,406, C>A on the plus strand (G>T on the coding strand, the complement: TRPS1 is on the minus strand). VCF-style: chr8-115414406-C-A. GRCh37 (hg19) VCF-style: chr8-116426634-C-A.
Other names: c.3475G>T, p.Ala1159Ser (NM_001282902.3); c.3481G>T, p.Ala1161Ser (NM_001282903.3); c.3463G>T, p.Ala1155Ser (NM_001330599.2); short protein forms A1159S, A1161S, A1155S, A1168S.
Identifiers: ClinVar variation 2948347 (VCV002948347.3), dbSNP rs749423453, ClinGen allele CA4851481.
Genomic context (GRCh38, chr8:115,414,406, plus strand): 5'-GCCCAGGTCTGGAATGCTTGATCGCCAAATCTAGAGGAATGTCATTGTCTGATCCAACAG[C>A]TGAAAAATGAGGAGGCAGATTGAAGGTGGGATAAGGCACATAGTTTTGGCAAGGATTTGG-3'
Protein context (NP_054831.2, residues 1158-1178): PTFNLPPHFS[Ala1168Ser]VGSDNDIPLD